The following is an entry in ClinVar:

NM_182914.3(SYNE2):c.7703A>G (p.Glu2568Gly)

Gene: SYNE2 (spectrin repeat containing nuclear envelope protein 2; plus strand). Cytogenetic location: 14q23.2.
Variant type: single nucleotide variant.
Coding change: c.7703A>G on transcript NM_182914.3 (MANE Select); coding-DNA position 7703, A replaced by G.
Protein change: p.Glu2568Gly; replaces glutamic acid 2568 with glycine.
Molecular consequence: missense variant.
Genome position (GRCh38, 1-based): chr14:64,051,616, A>G. VCF-style: chr14-64051616-A-G. GRCh37 (hg19) VCF-style: chr14-64518334-A-G.
Other names: c.7703A>G, p.Glu2568Gly (NM_015180.6); short protein forms E2568G.
Identifiers: ClinVar variation 1425896 (VCV001425896.6), dbSNP rs1460075302, ClinGen allele CA389960786.

ClinVar aggregate classification (germline): Uncertain significance (1 of 4 stars; one submission).

Conditions:
Emery-Dreifuss muscular dystrophy 5, autosomal dominant (EDMD5). Also called: EMERY-DREIFUSS MUSCULAR DYSTROPHY 5. Identifiers: Orphanet 261, MedGen C2751805, MONDO:0013072, OMIM 612999.

Allele frequency attached by ClinVar (database versions not stated): gnomAD exomes below 0.00001.
gnomAD v4.1: 1 of 1,613,942 alleles (0.000062%); highest among the groups gnomAD compares: East Asian, 0.0022%; no homozygotes.

Submission:

Labcorp Genetics (formerly Invitae), Labcorp
Classification: Uncertain significance for Emery-Dreifuss muscular dystrophy 5, autosomal dominant. Last evaluated: 2021-10-31. Review status: criteria provided, single submitter. Criteria: Invitae Variant Classification Sherloc (09022015). Collection method: clinical testing. Allele origin: germline.
Comment: Algorithms developed to predict the effect of missense changes on protein structure and function are either unavailable or do not agree on the potential impact of this missense change (SIFT: "Deleterious"; PolyPhen-2: "Probably Damaging"; Align-GVGD: "Class C0"). This variant has not been reported in the literature in individuals affected with SYNE2-related conditions. This variant is present in population databases (no rsID available, gnomAD 0.006%). This sequence change replaces glutamic acid, which is acidic and polar, with glycine, which is neutral and non-polar, at codon 2568 of the SYNE2 protein (p.Glu2568Gly). In summary, the available evidence is currently insufficient to determine the role of this variant in disease. Therefore, it has been classified as a Variant of Uncertain Significance.